The following is an entry in ClinVar:

ClinVar aggregate classification (germline): Uncertain significance (1 of 4 stars; one submission).

Conditions:
Cole-Carpenter syndrome 1 (CLCRP1). Also called: BONE FRAGILITY WITH CRANIOSYNOSTOSIS, OCULAR PROPTOSIS, HYDROCEPHALUS, AND DISTINCTIVE FACIAL FEATURES. Identifiers: Orphanet 2050, MedGen C4317154, MONDO:0007204, OMIM 112240.

Submission:

Baylor Genetics
Classification: Uncertain significance for Cole-Carpenter syndrome 1. Last evaluated: 2018-12-07. Review status: criteria provided, single submitter. Criteria: ACMG Guidelines, 2015. Collection method: clinical testing. Allele origin: de novo. Affected: yes.
Comment: This variant was determined to be of uncertain significance according to ACMG Guidelines, 2015 [PMID:25741868].

NM_000918.4(P4HB):c.718T>C (p.Phe240Leu)

Gene: P4HB (prolyl 4-hydroxylase subunit beta; minus strand). Cytogenetic location: 17q25.3.
Variant type: single nucleotide variant.
Coding change: c.718T>C on transcript NM_000918.4 (MANE Select); coding-DNA position 718, T replaced by C.
Protein change: p.Phe240Leu; replaces phenylalanine 240 with leucine.
Molecular consequence: missense variant.
Genome position (GRCh38, 1-based): chr17:81,847,254, A>G on the plus strand (T>C on the coding strand, the complement: P4HB is on the minus strand). VCF-style: chr17-81847254-A-G. GRCh37 (hg19) VCF-style: chr17-79805130-A-G.
Other names: short protein forms F240L.
Identifiers: ClinVar variation 1032489 (VCV001032489.1), dbSNP rs1343072696, ClinGen allele CA401511666.